The following is an entry in ClinVar:

NM_000179.3(MSH6):c.1727A>G (p.Asp576Gly)

Gene: MSH6 (mutS homolog 6; plus strand). Cytogenetic location: 2p16.3.
Variant type: single nucleotide variant.
Coding change: c.1727A>G on transcript NM_000179.3 (MANE Select); coding-DNA position 1727, A replaced by G.
Protein change: p.Asp576Gly; replaces aspartic acid 576 with glycine.
Molecular consequence: missense variant. On other transcripts: non-coding transcript variant (4), intron variant (2).
Genome position (GRCh38, 1-based): chr2:47,799,710, A>G. VCF-style: chr2-47799710-A-G. GRCh37 (hg19) VCF-style: chr2-48026849-A-G.
Other names: c.1727A>G, p.Asp576Gly (NM_001406808.1, NM_001406809.1, NM_001406796.1 and 3 more transcripts); c.821A>G, p.Asp274Gly (NM_001406811.1, NM_001406812.1, NM_001406814.1 and 6 more transcripts); c.1733A>G, p.Asp578Gly (NM_001406813.1); c.1430A>G, p.Asp477Gly (NM_001406818.1, NM_001406819.1, NM_001406797.1 and 10 more transcripts); c.1823A>G, p.Asp608Gly (NM_001406795.1, NM_001406802.1); c.1202A>G, p.Asp401Gly (NM_001406799.1, NM_001406806.1, NM_001406807.1); c.1649A>G, p.Asp550Gly (NM_001406804.1); c.1559A>G, p.Asp520Gly (NM_001406826.1); and 3 more; short protein forms D401G, D520G, D274G, D477G, D578G, D446G, D550G, D576G.
Identifiers: ClinVar variation 2820093 (VCV002820093.3), dbSNP rs2104363599, ClinGen allele CA346748735.
Genomic context (GRCh38, chr2:47,799,710, plus strand): 5'-ATGGTGTGTGCTTTGTTGATACTTCACTGGGAAAGTTTTTCATAGGTCAGTTTTCAGATG[A>G]TCGCCATTGTTCGAGATTTAGGACTCTAGTGGCACACTATCCCCCAGTACAAGTTTTATT-3'
Protein context (NP_000170.1, residues 566-586): GKFFIGQFSD[Asp576Gly]RHCSRFRTLV

ClinVar aggregate classification (germline): Uncertain significance (1 of 4 stars; one submission).

Conditions:
Hereditary nonpolyposis colorectal neoplasms. Identifiers: MedGen C0009405, MeSH D003123.

Submission:

Labcorp Genetics (formerly Invitae), Labcorp
Classification: Uncertain significance for Hereditary nonpolyposis colorectal neoplasms. Last evaluated: 2022-12-11. Review status: criteria provided, single submitter. Criteria: Invitae Variant Classification Sherloc (09022015). Collection method: clinical testing. Allele origin: germline.
Comment: This sequence change replaces aspartic acid, which is acidic and polar, with glycine, which is neutral and non-polar, at codon 576 of the MSH6 protein (p.Asp576Gly). This variant is not present in population databases (gnomAD no frequency). This variant has not been reported in the literature in individuals affected with MSH6-related conditions. Algorithms developed to predict the effect of missense changes on protein structure and function (SIFT, PolyPhen-2, Align-GVGD) all suggest that this variant is likely to be disruptive. In summary, the available evidence is currently insufficient to determine the role of this variant in disease. Therefore, it has been classified as a Variant of Uncertain Significance.